The following is an entry in ClinVar:

ClinVar aggregate classification (germline): Likely benign (1 of 4 stars; one submission).

gnomAD v4.1: 304 of 1,595,852 alleles (0.019%); highest among the groups gnomAD compares: Non-Finnish European, 0.0042%; 3 homozygotes.

Submission:

CeGaT Center for Human Genetics Tuebingen
Classification: Likely benign. Last evaluated: 2025-08-01. Review status: criteria provided, single submitter. Criteria: CeGaT Center For Human Genetics Tuebingen Variant Classification Criteria Version 2. Collection method: clinical testing. Allele origin: germline. Affected: yes. Observed: 1 variant allele.
Comment: RIMS2: BP4, BP7

NM_001348484.3(RIMS2):c.4107G>A (p.Thr1369=)

Gene: RIMS2 (regulating synaptic membrane exocytosis 2; plus strand). Cytogenetic location: 8q22.3.
Variant type: single nucleotide variant.
Coding change: c.4107G>A on transcript NM_001348484.3 (MANE Select); coding-DNA position 4107, G replaced by A.
Protein change: p.Thr1369=; no amino-acid change (threonine 1369 retained).
Molecular consequence: synonymous variant. On other transcripts: intron variant (22).
Genome position (GRCh38, 1-based): chr8:104,148,847, G>A. VCF-style: chr8-104148847-G-A. GRCh37 (hg19) VCF-style: chr8-105161075-G-A.
Other names: c.3933G>A, p.Thr1311= (NM_001348489.2); c.3846G>A, p.Thr1282= (NM_001348490.2); c.3258G>A, p.Thr1086= (NM_001348498.2, NM_001348503.2); c.3111G>A, p.Thr1037= (NM_001348501.2); c.3354G>A, p.Thr1118= (NM_001348509.2); c.3960G>A, p.Thr1320= (NM_001395652.1); c.3819G>A, p.Thr1273= (NM_001395653.1); c.3966G>A, p.Thr1322= (NM_001395654.1); and 22 more.
Identifiers: ClinVar variation 4084035 (VCV004084035.8).
Genomic context (GRCh38, chr8:104,148,847, plus strand): 5'-AATGGTAGCTATCGTTGGTCTGTCACGGAAAAGTCGCAGTGCTTCTCAGCTCAGCCAAAC[G>A]GGTAGGAATTTCAATGTTACTTTTAACTTGATATTTGAGTTGTCATTACAAGATATATTT-3'
Protein context (NP_001335413.1, residues 1359-1379): KSRSASQLSQ[Thr1369=]EAGGKKLRST